The following is an entry in ClinVar:

ClinVar aggregate classification (germline): Uncertain significance (1 of 4 stars; one submission).

Conditions:
Hypertrophic cardiomyopathy. Also called: HYPERTROPHIC MYOCARDIOPATHY. Identifiers: Orphanet 217569, MedGen C0007194, MeSH D002312, MONDO:0005045, HP:0001639.

Submission:

Labcorp Genetics (formerly Invitae), Labcorp
Classification: Uncertain significance for Hypertrophic cardiomyopathy. Last evaluated: 2025-07-31. Review status: criteria provided, single submitter. Criteria: Invitae Variant Classification Sherloc (09022015). Collection method: clinical testing. Allele origin: germline.
Comment: This sequence change falls in intron 3 of the JPH2 gene. It does not directly change the encoded amino acid sequence of the JPH2 protein. It affects a nucleotide within the consensus splice site. This variant is not present in population databases (gnomAD no frequency). This variant has not been reported in the literature in individuals affected with JPH2-related conditions. ClinVar contains an entry for this variant (Variation ID: 2120415). Variants that disrupt the consensus splice site are a relatively common cause of aberrant splicing (PMID: 17576681, 9536098). Algorithms developed to predict the effect of sequence changes on RNA splicing suggest that this variant is not likely to affect RNA splicing. In summary, the available evidence is currently insufficient to determine the role of this variant in disease. Therefore, it has been classified as a Variant of Uncertain Significance.

Literature cited by the submitters: PubMed 17576681; PubMed 9536098.

NM_020433.5(JPH2):c.1288+6del

Gene: JPH2 (junctophilin 2; minus strand). Cytogenetic location: 20q13.12.
Variant type: Deletion.
Coding change: c.1288+6del on transcript NM_020433.5 (MANE Select); 6 bases into the intron after coding-DNA position 1288, one base deleted (G; older notation c.1288+6delG).
Molecular consequence: intron variant.
Genome position (GRCh38, 1-based): chr20:44,118,499, C deleted on the plus strand (G on the coding strand, the reverse complement: JPH2 is on the minus strand); the first of 3 consecutive C bases (chr20:44,118,499-44,118,501); deleting any one gives the same sequence. VCF-style (leftmost placement, unchanged base first): chr20-44118498-GC-G. GRCh37 (hg19) VCF-style: chr20-42747138-GC-G.
Identifiers: ClinVar variation 2120415 (VCV002120415.4), dbSNP rs2515719679, ClinGen allele CA2580098208.
Genomic context (GRCh38, chr20:44,118,498, plus strand): 5'-TAAGCAAAGAAAAGCGCCCACCCTAGGGATAGCCCTACCCTGCCCATCCTTCCCTGGCTG[GC>G]CCTACCTGGCTGGTAGAAGTCCGGAGCCAGCTCCCTGGCCAAAGTGCGAGCAATGTTGGA-3'